The following is an entry in ClinVar:

NM_012330.4(KAT6B):c.1134_1137delinsCCCTGTACCACCCCTGTACCACCCCTGTGTACCACACACAG (p.Lys379fs)

Gene: KAT6B (lysine acetyltransferase 6B; plus strand). Cytogenetic location: 10q22.2.
Variant type: Indel.
Coding change: c.1134_1137delinsCCCTGTACCACCCCTGTACCACCCCTGTGTACCACACACAG on transcript NM_012330.4 (MANE Select); coding-DNA positions 1134 to 1137, the reference bases replaced by an inserted sequence.
Protein change: p.Lys379fs; shifts the reading frame from lysine 379.
Molecular consequence: frameshift variant. On other transcripts: intron variant (11).
Genome position (GRCh38, 1-based): chr10:74,975,471-74,975,474, 4 bases replaced. GRCh37 (hg19): chr10:76,735,229-76,735,232.
Other names: c.1117+17_1117+20delinsCCCTGTACCACCCCTGTACCACCCCTGTGTACCACACACAG (NM_001370141.1, NM_001256469.2, NM_001370132.1 and 3 more transcripts); c.929-1845_929-1842delinsCCCTGTACCACCCCTGTACCACCCCTGTGTACCACACACAG (NM_001370143.1, NM_001370144.1); c.193-13548_193-13545delinsCCCTGTACCACCCCTGTACCACCCCTGTGTACCACACACAG (NM_001370135.1); c.1134_1137delinsCCCTGTACCACCCCTGTACCACCCCTGTGTACCACACACAG, p.Lys379fs (NM_001256468.2, NM_001370136.1, NM_001370137.1 and 1 more transcripts); c.846+5696_846+5699delinsCCCTGTACCACCCCTGTACCACCCCTGTGTACCACACACAG (NM_001370133.1); c.193-3753_193-3750delinsCCCTGTACCACCCCTGTACCACCCCTGTGTACCACACACAG (NM_001370134.1); short protein forms K379fs.
Identifiers: ClinVar variation 5018135 (VCV005018135.1).

ClinVar aggregate classification (germline): Uncertain significance (1 of 4 stars; one submission).

Submission:

GeneDx
Classification: Uncertain significance. Last evaluated: 2026-04-08. Review status: criteria provided, single submitter. Criteria: GeneDx Variant Classification Process June 2021. Collection method: clinical testing. Allele origin: germline.
Comment: Frameshift variant predicted to result in protein truncation or nonsense mediated decay in a gene for which loss of function is a known mechanism of disease; Has not been previously published as pathogenic or benign to our knowledge